The following is an entry in ClinVar:

ClinVar aggregate classification (germline): Uncertain significance. Review status: criteria provided, multiple submitters, no conflicts (2 of 4 stars). 2 submissions from 2 submitters: Uncertain significance (2). Last evaluated 2025-06-25.

Conditions:
Inborn genetic diseases. Identifiers: MedGen C0950123, MeSH D030342.

gnomAD v4.1: 3 of 1,613,230 alleles (0.00019%); highest among the groups gnomAD compares: African/African-American, 0.004%; no homozygotes.

Submissions (2):

Ambry Genetics
Classification: Uncertain significance for Inborn genetic diseases. Last evaluated: 2025-06-25. Review status: criteria provided, single submitter. Criteria: Ambry Variant Classification Scheme 2023. Collection method: clinical testing. Allele origin: germline.

Labcorp Genetics (formerly Invitae), Labcorp
Classification: Uncertain significance. Last evaluated: 2023-09-18. Review status: criteria provided, single submitter. Criteria: Invitae Variant Classification Sherloc (09022015). Collection method: clinical testing. Allele origin: germline.
Comment: This sequence change replaces cysteine, which is neutral and slightly polar, with tryptophan, which is neutral and slightly polar, at codon 14 of the PROM1 protein (p.Cys14Trp). In summary, the available evidence is currently insufficient to determine the role of this variant in disease. Therefore, it has been classified as a Variant of Uncertain Significance. Experimental studies and prediction algorithms are not available or were not evaluated, and the functional significance of this variant is currently unknown. This variant has not been reported in the literature in individuals affected with PROM1-related conditions. This variant is not present in population databases (gnomAD no frequency).

NM_006017.3(PROM1):c.42C>G (p.Cys14Trp)

Gene: PROM1 (prominin 1; minus strand). Cytogenetic location: 4p15.32.
Variant type: single nucleotide variant.
Coding change: c.42C>G on transcript NM_006017.3 (MANE Select); coding-DNA position 42, C replaced by G.
Protein change: p.Cys14Trp; replaces cysteine 14 with tryptophan.
Molecular consequence: missense variant.
Genome position (GRCh38, 1-based): chr4:16,075,865, G>C on the plus strand (C>G on the coding strand, the complement: PROM1 is on the minus strand). VCF-style: chr4-16075865-G-C. GRCh37 (hg19) VCF-style: chr4-16077488-G-C.
Other names: c.42C>G, p.Cys14Trp (NM_001145852.2, NM_001371406.1, NM_001371407.1 and 6 more transcripts); c.42C>G (NM_006017.2); short protein forms C14W.
Identifiers: ClinVar variation 2994737 (VCV002994737.4), dbSNP rs758376095, ClinGen allele CA356438326.